The following is an entry in ClinVar:

ClinVar aggregate classification (germline): Uncertain significance (1 of 4 stars; one submission).

Conditions:
CACNA1G-related disorder. Also called: CACNA1G-related condition; CACNA1G-related disorders.

Allele frequency attached by ClinVar (database versions not stated): gnomAD exomes below 0.00001.
gnomAD v4.1: 2 of 1,590,556 alleles (0.00013%); highest among the groups gnomAD compares: Non-Finnish European, 0.00017%; no homozygotes.

Submission:

PreventionGenetics, part of Exact Sciences
Classification: Uncertain significance for CACNA1G-related condition. Last evaluated: 2023-01-26. Review status: criteria provided, single submitter. Criteria: ACMG Guidelines, 2015. Collection method: clinical testing. Allele origin: germline.
Comment: The CACNA1G c.6938T>C variant is predicted to result in the amino acid substitution p.Ile2313Thr. To our knowledge, this variant has not been reported in the literature or in a large population database, indicating this variant is rare. At this time, the clinical significance of this variant is uncertain due to the absence of conclusive functional and genetic evidence.

NM_018896.5(CACNA1G):c.6938T>C (p.Ile2313Thr)

Gene: CACNA1G (calcium voltage-gated channel subunit alpha1 G; plus strand). Cytogenetic location: 17q21.33.
Variant type: single nucleotide variant.
Coding change: c.6938T>C on transcript NM_018896.5 (MANE Select); coding-DNA position 6938, T replaced by C.
Protein change: p.Ile2313Thr; replaces isoleucine 2313 with threonine.
Molecular consequence: missense variant. On other transcripts: non-coding transcript variant (5).
Genome position (GRCh38, 1-based): chr17:50,626,555, T>C. VCF-style: chr17-50626555-T-C. GRCh37 (hg19) VCF-style: chr17-48703916-T-C.
Other names: c.6749T>C, p.Ile2250Thr (NM_001256324.2); c.6680T>C, p.Ile2227Thr (NM_001256325.2); c.6668T>C, p.Ile2223Thr (NM_001256326.2); c.6638T>C, p.Ile2213Thr (NM_001256327.2); c.6584T>C, p.Ile2195Thr (NM_001256328.2); c.6557T>C, p.Ile2186Thr (NM_001256329.2, NM_198387.3); c.6524T>C, p.Ile2175Thr (NM_001256330.2); c.6503T>C, p.Ile2168Thr (NM_001256331.2); and 18 more; short protein forms I2107T, I2130T, I2141T, I2163T, I2168T, I2175T, I2179T, I2182T.
Identifiers: ClinVar variation 2629958 (VCV002629958.1), dbSNP rs2545923333, ClinGen allele CA400240012.